The following is an entry in ClinVar:

NM_004260.4(RECQL4):c.2221G>C (p.Ala741Pro)

Gene: RECQL4 (RecQ like helicase 4; minus strand). Cytogenetic location: 8q24.3.
Variant type: single nucleotide variant.
Coding change: c.2221G>C on transcript NM_004260.4 (MANE Select); coding-DNA position 2221, G replaced by C.
Protein change: p.Ala741Pro; replaces alanine 741 with proline.
Molecular consequence: missense variant.
Genome position (GRCh38, 1-based): chr8:144,513,460, C>G on the plus strand (G>C on the coding strand, the complement: RECQL4 is on the minus strand). VCF-style: chr8-144513460-C-G. GRCh37 (hg19) VCF-style: chr8-145738844-C-G.
Other names: c.1150G>C, p.Ala384Pro (NM_001413024.1, NM_001413028.1, NM_001413034.1 and 6 more transcripts); c.2092G>C, p.Ala698Pro (NM_001413025.1); c.1084G>C, p.Ala362Pro (NM_001413027.1, NM_001413030.1, NM_001413032.1 and 1 more transcripts); c.1870G>C, p.Ala624Pro (NM_001413029.1); c.952G>C, p.Ala318Pro (NM_001413031.1); c.2089G>C, p.Ala697Pro (NM_001413033.1); c.2125G>C, p.Ala709Pro (NM_001413017.1, NM_001413020.1); c.2221G>C, p.Ala741Pro (NM_001413018.1, NM_001413019.1, NM_001413036.1); and 5 more; short protein forms A362P, A374P, A318P, A624P, A741P, A252P, A340P, A697P.
Identifiers: ClinVar variation 1896096 (VCV001896096.6), dbSNP rs748933048, ClinGen allele CA372678538.

ClinVar aggregate classification (germline): Uncertain significance. Review status: criteria provided, multiple submitters, no conflicts (2 of 4 stars). 2 submissions from 2 submitters: Uncertain significance (2). Last evaluated 2025-06-09.

Conditions:
Inborn genetic diseases. Identifiers: MedGen C0950123, MeSH D030342.
Baller-Gerold syndrome (BGS). Also called: CRANIOSYNOSTOSIS WITH RADIAL DEFECTS. Identifiers: Orphanet 1225, MedGen C0265308, MONDO:0009039, OMIM 218600.

Submissions (2):

Ambry Genetics
Classification: Uncertain significance for Inborn genetic diseases. Last evaluated: 2025-06-09. Review status: criteria provided, single submitter. Criteria: Ambry Variant Classification Scheme 2023. Collection method: clinical testing. Allele origin: germline.
Comment: The p.A741P variant (also known as c.2221G>C), located in coding exon 14 of the RECQL4 gene, results from a G to C substitution at nucleotide position 2221. The alanine at codon 741 is replaced by proline, an amino acid with highly similar properties. This amino acid position is conserved. In addition, this alteration is predicted to be deleterious by in silico analysis. Based on the available evidence, the clinical significance of this variant remains unclear.

Labcorp Genetics (formerly Invitae), Labcorp
Classification: Uncertain significance for Baller-Gerold syndrome. Last evaluated: 2022-04-15. Review status: criteria provided, single submitter. Criteria: Invitae Variant Classification Sherloc (09022015). Collection method: clinical testing. Allele origin: germline.
Comment: In summary, the available evidence is currently insufficient to determine the role of this variant in disease. Therefore, it has been classified as a Variant of Uncertain Significance. Experimental studies and prediction algorithms are not available or were not evaluated, and the functional significance of this variant is currently unknown. This variant has not been reported in the literature in individuals affected with RECQL4-related conditions. This variant is not present in population databases (gnomAD no frequency). This sequence change replaces alanine, which is neutral and non-polar, with proline, which is neutral and non-polar, at codon 741 of the RECQL4 protein (p.Ala741Pro).